The following is an entry in ClinVar:

NM_000059.4(BRCA2):c.2765T>G (p.Phe922Cys)

Gene: BRCA2 (BRCA2 DNA repair associated; plus strand). Cytogenetic location: 13q13.1.
Variant type: single nucleotide variant.
Coding change: c.2765T>G on transcript NM_000059.4 (MANE Select); coding-DNA position 2765, T replaced by G.
Protein change: p.Phe922Cys; replaces phenylalanine 922 with cysteine.
Molecular consequence: missense variant.
Genome position (GRCh38, 1-based): chr13:32,337,120, T>G. VCF-style: chr13-32337120-T-G. GRCh37 (hg19) VCF-style: chr13-32911257-T-G.
Other names: short protein forms F922C.
Identifiers: ClinVar variation 433772 (VCV000433772.7), dbSNP rs1555282838, ClinGen allele CA387773672.

ClinVar aggregate classification (germline): Conflicting classifications of pathogenicity. Review status: criteria provided, conflicting classifications (1 of 4 stars). 3 submissions from 3 submitters: Uncertain significance (1); Likely benign (1). 1 of the submissions does not count toward it. Last evaluated 2023-03-23.

Conditions:
Hereditary cancer-predisposing syndrome. Also called: Hereditary Cancer Syndrome; Hereditary neoplastic syndrome; Neoplastic Syndromes, Hereditary; Tumor predisposition. Identifiers: Orphanet 140162, MedGen C0027672, MeSH D009386, MONDO:0015356.

Submissions (3):

University of Washington Department of Laboratory Medicine, University of Washington
Classification: Likely benign for Hereditary cancer-predisposing syndrome. Last evaluated: 2023-03-23. Review status: criteria provided, single submitter. Criteria: Dines et al. (Genet Med. 2020). Collection method: curation. Allele origin: germline.
Comment: Missense variant in a coldspot region where missense variants are very unlikely to be pathogenic (PMID:31911673).

BRCA2 exon 11 coldspot. Reclassification based on statistical prior probability.

Color Diagnostics, LLC DBA Color Health
Classification: Uncertain significance for Hereditary cancer-predisposing syndrome. Last evaluated: 2019-04-14. Review status: criteria provided, single submitter. Criteria: ACMG Guidelines, 2015. Collection method: clinical testing. Allele origin: germline.

Department of Pathology and Laboratory Medicine, Sinai Health System
Classification: Uncertain significance. Review status: no assertion criteria provided. Collection method: clinical testing. Allele origin: unknown. Affected: yes. Study: The Canadian Open Genetics Repository (COGR). Not counted in ClinVar's aggregate classification.
Comment: The BRCA2 p.Phe922Cys variant was not identified in the literature nor was it identified in the dbSNP, GeneInsight-COGR, Cosmic, MutDB, LOVD 3.0, UMD-LSDB, BIC Database, ARUP Laboratories, Zhejiang University Database, the 1000 Genomes Project, the NHLBI GO Exome Sequencing Project, the Exome Aggregation Consortium (August 8th 2016), or the Genome Aggregation Database (Feb 27, 2017). The variant was identified in ClinVar (classified as uncertain significance) and Clinvitae. The p.Phe922 residue is not conserved in mammals and computational analyses (PolyPhen-2, SIFT, AlignGVGD, BLOSUM, MutationTaster) provide inconsistent predictions regarding the impact of the variant Cys to the protein; this information is not very predictive of pathogenicity. The variant occurs outside of the splicing consensus sequence and 1 of 5 in silico or computational prediction software programs (SpliceSiteFinder, MaxEntScan, NNSPLICE, GeneSplicer, HumanSpliceFinder) predict a greater than 10% difference in splicing; this is not very predictive of pathogenicity. In summary, based on the above information the clinical significance of this variant cannot be determined with certainty at this time. This variant is classified as a variant of uncertain significance.